The following is an entry in ClinVar:

NM_138694.4(PKHD1):c.4030C>T (p.Gln1344Ter)

Gene: PKHD1 (PKHD1 ciliary IPT domain containing fibrocystin/polyductin; minus strand). Cytogenetic location: 6p12.2.
Variant type: single nucleotide variant.
Coding change: c.4030C>T on transcript NM_138694.4 (MANE Select); coding-DNA position 4030, C replaced by T.
Protein change: p.Gln1344Ter; replaces glutamine 1344 with a stop codon.
Molecular consequence: nonsense.
Genome position (GRCh38, 1-based): chr6:52,025,780, G>A on the plus strand (C>T on the coding strand, the complement: PKHD1 is on the minus strand). VCF-style: chr6-52025780-G-A. GRCh37 (hg19) VCF-style: chr6-51890578-G-A.
Other names: c.4030C>T, p.Gln1344Ter (NM_170724.3); short protein forms Q1344*.
Identifiers: ClinVar variation 4816655 (VCV004816655.1).

ClinVar aggregate classification (germline): Likely pathogenic (1 of 4 stars; one submission).

Conditions:
Autosomal recessive polycystic kidney disease (ARPKD). Also called: AR polycystic kidney disease. Identifiers: Orphanet 731, Orphanet 8378, MedGen C0085548, MeSH D017044, MONDO:0009889.

gnomAD v4.1: 2 of 1,614,092 alleles (0.00012%); highest among the groups gnomAD compares: African/African-American, 0.0027%; no homozygotes.

Submission:

Natera, Inc.
Classification: Likely pathogenic for Autosomal recessive polycystic kidney disease. Last evaluated: 2025-12-19. Review status: criteria provided, single submitter. Criteria: Natera Variant Classification Schema (03/2026). Collection method: clinical testing. Allele origin: germline.
Comment: The c.4030C>T variant in PKHD1 is a nonsense variant predicted to introduce a stop codon at amino acid 1344. This variant is expected to result in nonsense mediated decay, truncation, or a dysfunctional protein product. This variant is rare in the general population with a frequency below the threshold expected for the associated phenotype(s). Given the available evidence, this variant is classified as Likely Pathogenic.